The following is an entry in ClinVar:

ClinVar aggregate classification (germline): Conflicting classifications of pathogenicity. Review status: criteria provided, conflicting classifications (1 of 4 stars). 3 submissions from 3 submitters: Uncertain significance (1); Likely benign (1). 1 of the submissions does not count toward it. Last evaluated 2025-11-05.

Conditions:
PCCA-related disorder. Also called: PCCA-related condition.
Propionic acidemia (PROP). Also called: GLYCINEMIA, KETOTIC; HYPERGLYCINEMIA WITH KETOACIDOSIS AND LEUKOPENIA; KETOTIC HYPERGLYCINEMIA. Identifiers: Orphanet 35, MedGen C0268579, MONDO:0011628, OMIM 606054, HP:0003571.

Allele frequency attached by ClinVar (database versions not stated): gnomAD exomes 0.00001 and 0.00002; TOPMed 0.00001; ExAC 0.00002.

Submissions (3):

Labcorp Genetics (formerly Invitae), Labcorp
Classification: Likely benign for Propionic acidemia. Last evaluated: 2025-11-05. Review status: criteria provided, single submitter. Criteria: Invitae Variant Classification Sherloc (09022015). Collection method: clinical testing. Allele origin: germline.

GeneDx
Classification: Uncertain significance. Last evaluated: 2024-11-18. Review status: criteria provided, single submitter. Criteria: GeneDx Variant Classification Process June 2021. Collection method: clinical testing. Allele origin: germline. Affected: yes.
Comment: Not observed at significant frequency in large population cohorts (gnomAD); In silico analysis indicates that this variant does not alter splicing; Has not been previously published as pathogenic or benign to our knowledge

PreventionGenetics, part of Exact Sciences
Classification: Likely benign for PCCA-related condition. Last evaluated: 2022-05-17. Review status: no assertion criteria provided. Collection method: clinical testing. Allele origin: germline. Not counted in ClinVar's aggregate classification.
Comment: This variant is classified as likely benign based on ACMG/AMP sequence variant interpretation guidelines (Richards et al. 2015 PMID: 25741868, with internal and published modifications).

NM_000282.4(PCCA):c.1747-8dup

Gene: PCCA (propionyl-CoA carboxylase subunit alpha; plus strand). Cytogenetic location: 13q32.3.
Variant type: Duplication.
Coding change: c.1747-8dup on transcript NM_000282.4 (MANE Select); 8 bases into the intron before coding-DNA position 1747, one base duplicated (C; older notation c.1747-8dupC).
Molecular consequence: intron variant.
Genome position (GRCh38, 1-based): chr13:100,425,625, C duplicated. VCF-style (leftmost placement, unchanged base first): chr13-100425624-T-TC. GRCh37 (hg19) VCF-style: chr13-101077878-T-TC.
Other names: c.1747-8dup (NM_001178004.2, NM_001352605.2, NM_001352609.2); c.1603-8dup (NM_001352606.2); c.802-8dup (NM_001352610.2, NM_001352611.2); c.658-8dup (NM_001352612.2); c.1669-8dup (NM_001127692.3, NM_001352607.2); c.1525-8dup (NM_001352608.2); c.1747-8dupC (NM_000282.3).
Identifiers: ClinVar variation 1123633 (VCV001123633.9), dbSNP rs753595587, ClinGen allele CA7033777.